The following is an entry in ClinVar:

NM_002693.3(POLG):c.1436A>G (p.Tyr479Cys)

Gene: POLG (DNA polymerase gamma, catalytic subunit; minus strand). Cytogenetic location: 15q26.1.
Variant type: single nucleotide variant.
Coding change: c.1436A>G on transcript NM_002693.3 (MANE Select); coding-DNA position 1436, A replaced by G.
Protein change: p.Tyr479Cys; replaces tyrosine 479 with cysteine.
Molecular consequence: missense variant.
Genome position (GRCh38, 1-based): chr15:89,327,061, T>C on the plus strand (A>G on the coding strand, the complement: POLG is on the minus strand). VCF-style: chr15-89327061-T-C. GRCh37 (hg19) VCF-style: chr15-89870292-T-C.
Other names: c.1436A>G, p.Tyr479Cys (NM_001126131.2); short protein forms Y479C.
Identifiers: ClinVar variation 3672225 (VCV003672225.2).

ClinVar aggregate classification (germline): Uncertain significance (1 of 4 stars; one submission).

Conditions:
Progressive sclerosing poliodystrophy (MTDPS4A). Also called: ALPERS PROGRESSIVE INFANTILE POLIODYSTROPHY; NEURONAL DEGENERATION OF CHILDHOOD WITH LIVER DISEASE, PROGRESSIVE; Alpers Syndrome; ALPERS DIFFUSE DEGENERATION OF CEREBRAL GRAY MATTER WITH HEPATIC CIRRHOSIS; Alpers-Huttenlocher Syndrome; Mitochondrial DNA depletion syndrome 4A (Alpers type). Identifiers: Orphanet 726, MedGen C0205710, MONDO:0008758, OMIM 203700.

Submission:

Labcorp Genetics (formerly Invitae), Labcorp
Classification: Uncertain significance for Progressive sclerosing poliodystrophy. Last evaluated: 2024-03-21. Review status: criteria provided, single submitter. Criteria: Invitae Variant Classification Sherloc (09022015). Collection method: clinical testing. Allele origin: germline.
Comment: This sequence change replaces tyrosine, which is neutral and polar, with cysteine, which is neutral and slightly polar, at codon 479 of the POLG protein (p.Tyr479Cys). This variant is not present in population databases (gnomAD no frequency). This variant has not been reported in the literature in individuals affected with POLG-related conditions. An algorithm developed to predict the effect of missense changes on protein structure and function (PolyPhen-2) suggests that this variant is likely to be disruptive. In summary, the available evidence is currently insufficient to determine the role of this variant in disease. Therefore, it has been classified as a Variant of Uncertain Significance.